The following is an entry in ClinVar:

ClinVar aggregate classification (germline): Pathogenic (1 of 4 stars; one submission).

Conditions:
Arrhythmogenic right ventricular dysplasia 11. Also called: Arrhythmogenic Right Ventricular Dysplasia/Cardiomyopathy11; ARRHYTHMOGENIC RIGHT VENTRICULAR DYSPLASIA, FAMILIAL, 11; Arrhythmogenic right ventricular dysplasia 11 with mild palmoplantar keratoderma and woolly hair. Identifiers: MedGen C1864850, MONDO:0012506, OMIM 610476.

Allele frequency attached by ClinVar (database versions not stated): gnomAD exomes below 0.00001; gnomAD 0.00001.

Submission:

Labcorp Genetics (formerly Invitae), Labcorp
Classification: Pathogenic for Arrhythmogenic right ventricular dysplasia 11. Last evaluated: 2020-02-21. Review status: criteria provided, single submitter. Criteria: Invitae Variant Classification Sherloc (09022015). Collection method: clinical testing. Allele origin: germline.
Comment: This sequence change creates a premature translational stop signal (p.Thr524Lysfs*47) in the DSC2 gene. It is expected to result in an absent or disrupted protein product. For these reasons, this variant has been classified as Pathogenic. Loss-of-function variants in DSC2 are known to be pathogenic (PMID: 23911551). This variant has not been reported in the literature in individuals with DSC2-related conditions. This variant is not present in population databases (ExAC no frequency).

Literature cited by the submitters: PubMed 23911551.

NM_024422.6(DSC2):c.1571del (p.Thr524fs)

Gene: DSC2 (desmocollin 2; minus strand). Cytogenetic location: 18q12.1.
Variant type: Deletion.
Coding change: c.1571del on transcript NM_024422.6 (MANE Select); coding-DNA position 1571, one base deleted (C; older notation c.1571delC).
Protein change: p.Thr524fs; shifts the reading frame from threonine 524.
Molecular consequence: frameshift variant.
Genome position (GRCh38, 1-based): chr18:31,079,939, G deleted on the plus strand (C on the coding strand, the reverse complement: DSC2 is on the minus strand). VCF-style (leftmost placement, unchanged base first): chr18-31079938-TG-T. GRCh37 (hg19) VCF-style: chr18-28659904-TG-T.
Other names: c.1571del, p.Thr524fs (NM_004949.5); short protein forms T524fs.
Identifiers: ClinVar variation 1075964 (VCV001075964.7), dbSNP rs2144812824, ClinGen allele CA988893656.